The following is an entry in ClinVar:

ClinVar aggregate classification (germline): Uncertain significance (1 of 4 stars; one submission).

Allele frequency attached by ClinVar (database versions not stated): gnomAD exomes below 0.00001; ExAC 0.00001; gnomAD 0.00001; TOPMed 0.00001.
gnomAD v4.1: 3 of 1,613,346 alleles (0.00019%); highest among the groups gnomAD compares: African/African-American, 0.004%; no homozygotes.

Submission:

Labcorp Genetics (formerly Invitae), Labcorp
Classification: Uncertain significance. Last evaluated: 2022-11-01. Review status: criteria provided, single submitter. Criteria: Invitae Variant Classification Sherloc (09022015). Collection method: clinical testing. Allele origin: germline.
Comment: Advanced modeling of protein sequence and biophysical properties (such as structural, functional, and spatial information, amino acid conservation, physicochemical variation, residue mobility, and thermodynamic stability) performed at Invitae indicates that this missense variant is not expected to disrupt EIF2B2 protein function. In summary, the available evidence is currently insufficient to determine the role of this variant in disease. Therefore, it has been classified as a Variant of Uncertain Significance. ClinVar contains an entry for this variant (Variation ID: 1461121). This sequence change replaces tryptophan, which is neutral and slightly polar, with arginine, which is basic and polar, at codon 51 of the EIF2B2 protein (p.Trp51Arg). This variant is present in population databases (rs777041434, gnomAD 0.007%). This variant has not been reported in the literature in individuals affected with EIF2B2-related conditions.

NM_014239.4(EIF2B2):c.151T>C (p.Trp51Arg)

Gene: EIF2B2 (eukaryotic translation initiation factor 2B subunit beta; plus strand). Cytogenetic location: 14q24.3.
Variant type: single nucleotide variant.
Coding change: c.151T>C on transcript NM_014239.4 (MANE Select); coding-DNA position 151, T replaced by C.
Protein change: p.Trp51Arg; replaces tryptophan 51 with arginine.
Molecular consequence: missense variant.
Genome position (GRCh38, 1-based): chr14:75,003,141, T>C. VCF-style: chr14-75003141-T-C. GRCh37 (hg19) VCF-style: chr14-75469844-T-C.
Other names: short protein forms W51R.
Identifiers: ClinVar variation 1461121 (VCV001461121.6), dbSNP rs777041434, ClinGen allele CA7274793.